The following is an entry in ClinVar:

NM_177438.3(DICER1):c.5730A>T (p.Arg1910=)

Gene: DICER1 (dicer 1, ribonuclease III; minus strand). Cytogenetic location: 14q32.13.
Variant type: single nucleotide variant.
Coding change: c.5730A>T on transcript NM_177438.3 (MANE Select); coding-DNA position 5730, A replaced by T.
Protein change: p.Arg1910=; no amino-acid change (arginine 1910 retained).
Molecular consequence: synonymous variant. On other transcripts: 3 prime UTR variant (1), non-coding transcript variant (6).
Genome position (GRCh38, 1-based): chr14:95,090,537, T>A on the plus strand (A>T on the coding strand, the complement: DICER1 is on the minus strand). VCF-style: chr14-95090537-T-A. GRCh37 (hg19) VCF-style: chr14-95556874-T-A.
Other names: c.*77A>T (NM_001195573.1); c.5730A>T, p.Arg1910= (NM_001271282.3, NM_001291628.2, NM_001395677.1 and 7 more transcripts); c.5448A>T, p.Arg1816= (NM_001395686.1); c.5325A>T, p.Arg1775= (NM_001395687.1, NM_001395688.1, NM_001395689.1 and 1 more transcripts); c.5163A>T, p.Arg1721= (NM_001395691.1); c.4047A>T, p.Arg1349= (NM_001395697.1).
Identifiers: ClinVar variation 3651610 (VCV003651610.2).

ClinVar aggregate classification (germline): Uncertain significance (1 of 4 stars; one submission).

Conditions:
DICER1-related tumor predisposition. Also called: DICER1 syndrome; DICER1-related pleuropulmonary blastoma cancer predisposition syndrome. Identifiers: Orphanet 284343, MedGen C3839822, MONDO:0100216.

Submission:

Labcorp Genetics (formerly Invitae), Labcorp
Classification: Uncertain significance for DICER1-related tumor predisposition. Last evaluated: 2024-04-30. Review status: criteria provided, single submitter. Criteria: Invitae Variant Classification Sherloc (09022015). Collection method: clinical testing. Allele origin: germline.
Comment: This sequence change affects codon 1910 of the DICER1 mRNA. It is a 'silent' change, meaning that it does not change the encoded amino acid sequence of the DICER1 protein. This variant is not present in population databases (gnomAD no frequency). This variant has not been reported in the literature in individuals affected with DICER1-related conditions. Algorithms developed to predict the effect of sequence changes on RNA splicing suggest that this variant may disrupt the consensus splice site. In summary, the available evidence is currently insufficient to determine the role of this variant in disease. Therefore, it has been classified as a Variant of Uncertain Significance.